The following is an entry in ClinVar:

ClinVar aggregate classification (germline): Pathogenic/Likely pathogenic. Review status: criteria provided, multiple submitters, no conflicts (2 of 4 stars). 2 submissions from 2 submitters: Pathogenic (1); Likely pathogenic (1). Last evaluated 2023-02-26.

Conditions:
Charcot-Marie-Tooth disease, axonal, type 2EE. Also called: CHARCOT-MARIE-TOOTH NEUROPATHY, TYPE 2EE. Identifiers: MedGen C5193076, MONDO:0032728, OMIM 618400.

Submissions (2):

Baylor Genetics
Classification: Likely pathogenic for Charcot-Marie-Tooth disease, axonal, type 2EE. Last evaluated: 2023-02-26. Review status: criteria provided, single submitter. Criteria: ACMG Guidelines, 2015. Collection method: clinical testing. Allele origin: unknown.

Labcorp Genetics (formerly Invitae), Labcorp
Classification: Pathogenic. Last evaluated: 2019-10-08. Review status: criteria provided, single submitter. Criteria: Invitae Variant Classification Sherloc (09022015). Collection method: clinical testing. Allele origin: germline.
Comment: This sequence change creates a premature translational stop signal (p.Gln8*) in the MPV17 gene. It is expected to result in an absent or disrupted protein product. This variant is not present in population databases (ExAC no frequency). This variant has not been reported in the literature in individuals with MPV17-related conditions. Loss-of-function variants in MPV17 are known to be pathogenic (PMID: 23714749). For these reasons, this variant has been classified as Pathogenic.

Literature cited by the submitters: PubMed 23714749 (cited by Labcorp Genetics (formerly Invitae), Labcorp).

NM_002437.5(MPV17):c.22C>T (p.Gln8Ter)

Genes: MPV17 (mitochondrial inner membrane protein MPV17; minus strand), LOC129933372 (ATAC-STARR-seq lymphoblastoid active region 15495; plus strand). Cytogenetic location: 2p23.3.
Variant type: single nucleotide variant.
Coding change: c.22C>T on transcript NM_002437.5 (MANE Select); coding-DNA position 22, C replaced by T.
Protein change: p.Gln8Ter; replaces glutamine 8 with a stop codon.
Molecular consequence: nonsense.
Genome position (GRCh38, 1-based): chr2:27,322,496, G>A on the plus strand (C>T on the coding strand, the complement: MPV17 is on the minus strand). VCF-style: chr2-27322496-G-A. GRCh37 (hg19) VCF-style: chr2-27545363-G-A.
Other names: short protein forms Q8*.
Identifiers: ClinVar variation 964822 (VCV000964822.9), dbSNP rs1679897519, ClinGen allele CA346161106.